The following is an entry in ClinVar:

ClinVar aggregate classification (germline): Uncertain significance. Review status: criteria provided, multiple submitters, no conflicts (2 of 4 stars). 3 submissions from 3 submitters: Uncertain significance (3). Last evaluated 2024-12-07.

Conditions:
Frank-Ter Haar syndrome. Also called: BORRONE DERMATOCARDIOSKELETAL SYNDROME; TER HAAR SYNDROME; MELNICK-NEEDLES SYNDROME, AUTOSOMAL RECESSIVE; Borrone di Rocco Crovato syndrome. Identifiers: Orphanet 1266, Orphanet 137834, MedGen C1855305, MONDO:0009579, OMIM 249420.

Allele frequency attached by ClinVar (database versions not stated): TOPMed 0.00005; gnomAD exomes 0.00006 and 0.00008; 1000 Genomes Project 0.00020; 1000 Genomes Project 30x 0.00031; ExAC 0.00007; gnomAD 0.00004.
gnomAD v4.1: 118 of 1,614,184 alleles (0.0073%); highest among the groups gnomAD compares: Middle Eastern, 0.049%; 1 homozygote.

Submissions (3):

Labcorp Genetics (formerly Invitae), Labcorp
Classification: Uncertain significance. Last evaluated: 2024-12-07. Review status: criteria provided, single submitter. Criteria: Invitae Variant Classification Sherloc (09022015). Collection method: clinical testing. Allele origin: germline.
Comment: This sequence change replaces arginine, which is basic and polar, with glutamine, which is neutral and polar, at codon 819 of the SH3PXD2B protein (p.Arg819Gln). This variant is present in population databases (rs200899339, gnomAD 0.02%). This variant has not been reported in the literature in individuals affected with SH3PXD2B-related conditions. ClinVar contains an entry for this variant (Variation ID: 287530). An algorithm developed to predict the effect of missense changes on protein structure and function (PolyPhen-2) suggests that this variant¬†is likely to be tolerated. In summary, the available evidence is currently insufficient to determine the role of this variant in disease. Therefore, it has been classified as a Variant of Uncertain Significance.

Illumina Laboratory Services, Illumina
Classification: Uncertain significance for Frank-Ter Haar syndrome. Last evaluated: 2018-01-13. Review status: criteria provided, single submitter. Criteria: ICSL Variant Classification Criteria 13 December 2019. Collection method: clinical testing. Allele origin: germline.

Eurofins Ntd Llc (ga)
Classification: Uncertain significance. Last evaluated: 2016-05-03. Review status: criteria provided, single submitter. Criteria: EGL Classification Definitions 2015. Collection method: clinical testing. Allele origin: germline. Observed: 1 variant allele, 1 heterozygote.

NM_001017995.3(SH3PXD2B):c.2456G>A (p.Arg819Gln)

Gene: SH3PXD2B (SH3 and PX domains 2B; minus strand). Cytogenetic location: 5q35.1.
Variant type: single nucleotide variant.
Coding change: c.2456G>A on transcript NM_001017995.3 (MANE Select); coding-DNA position 2456, G replaced by A.
Protein change: p.Arg819Gln; replaces arginine 819 with glutamine.
Molecular consequence: missense variant. On other transcripts: intron variant (1).
Genome position (GRCh38, 1-based): chr5:172,338,649, C>T on the plus strand (G>A on the coding strand, the complement: SH3PXD2B is on the minus strand). VCF-style: chr5-172338649-C-T. GRCh37 (hg19) VCF-style: chr5-171765653-C-T.
Other names: c.1188+7487G>A (NM_001308175.2); short protein forms R819Q.
Identifiers: ClinVar variation 287530 (VCV000287530.12), dbSNP rs200899339, ClinGen allele CA3560955.